The following is an entry in ClinVar:

ClinVar aggregate classification (germline): Uncertain significance (1 of 4 stars; one submission).

gnomAD v4.1: 8 of 1,613,000 alleles (0.0005%); highest among the groups gnomAD compares: Admixed American, 0.0033%; no homozygotes.

Submission:

Labcorp Genetics (formerly Invitae), Labcorp
Classification: Uncertain significance. Last evaluated: 2025-03-28. Review status: criteria provided, single submitter. Criteria: Invitae Variant Classification Sherloc (09022015). Collection method: clinical testing. Allele origin: germline.
Comment: This sequence change replaces arginine, which is basic and polar, with tryptophan, which is neutral and slightly polar, at codon 178 of the LRRC10 protein (p.Arg178Trp). This variant is present in population databases (rs372459566, gnomAD 0.005%). This variant has not been reported in the literature in individuals affected with LRRC10-related conditions. An algorithm developed to predict the effect of missense changes on protein structure and function (PolyPhen-2) suggests that this variant is likely to be tolerated. In summary, the available evidence is currently insufficient to determine the role of this variant in disease. Therefore, it has been classified as a Variant of Uncertain Significance.

NM_201550.4(LRRC10):c.532C>T (p.Arg178Trp)

Gene: LRRC10 (leucine rich repeat containing 10; minus strand). Cytogenetic location: 12q15.
Variant type: single nucleotide variant.
Coding change: c.532C>T on transcript NM_201550.4 (MANE Select); coding-DNA position 532, C replaced by T.
Protein change: p.Arg178Trp; replaces arginine 178 with tryptophan.
Molecular consequence: missense variant.
Genome position (GRCh38, 1-based): chr12:69,610,307, G>A on the plus strand (C>T on the coding strand, the complement: LRRC10 is on the minus strand). VCF-style: chr12-69610307-G-A. GRCh37 (hg19) VCF-style: chr12-70004087-G-A.
Other names: short protein forms R178W.
Identifiers: ClinVar variation 4788386 (VCV004788386.1).